The following is an entry in ClinVar:

Conditions:
Breast-ovarian cancer, familial, susceptibility to, 1 (BROVCA1). Also called: BRCA1 Hereditary Breast and Ovarian Cancer; OVARIAN CANCER, SUSCEPTIBILITY TO. Identifiers: Orphanet 145, MedGen C2676676, MONDO:0011450, OMIM 604370. Disease mechanism: loss of function.

Submission:

Brotman Baty Institute, University of Washington
No classification provided (evidence only). Condition: Breast-ovarian cancer, familial 1. Review status: no classification provided. Collection method: in vitro. Allele origin: not applicable. Functional consequence: function_uncertain_variant.
ClinVar note: "not provided" was previously submitted as the classification for the variant. However, the classification appeared to be based only on an observation of functional data so it was converted to no classification on 2025-07-30.

NM_007294.4(BRCA1):c.5194-3C>A

Gene: BRCA1 (BRCA1 DNA repair associated; minus strand). Cytogenetic location: 17q21.31.
Variant type: single nucleotide variant.
Coding change: c.5194-3C>A on transcript NM_007294.4 (MANE Select); 3 bases into the intron before coding-DNA position 5194, C replaced by A.
Molecular consequence: intron variant.
Genome position (GRCh38, 1-based): chr17:43,057,138, G>T on the plus strand (C>A on the coding strand, the complement: BRCA1 is on the minus strand). VCF-style: chr17-43057138-G-T. GRCh37 (hg19) VCF-style: chr17-41209155-G-T.
Other names: c.1741-3C>A (NM_001408458.1, NM_001408461.1, NM_001408464.1 and 7 more transcripts); c.4303-3C>A (NM_001407967.1); c.4813-3C>A (NM_001407959.1); c.4927-3C>A (NM_001407931.1, NM_001407932.1, NM_001407928.1 and 4 more transcripts); c.5050-3C>A (NM_001407747.1, NM_001407745.1, NM_001407737.1 and 21 more transcripts); c.4810-3C>A (NM_001407962.1, NM_001407960.1); c.1381-3C>A (NM_001408512.1); c.1504-3C>A (NM_001408510.1); and 72 more.
Identifiers: ClinVar variation 865146 (VCV000865146.3), dbSNP rs2051532279, ClinGen allele CA916081186.